The following is an entry in ClinVar:

ClinVar aggregate classification (germline): Uncertain significance (1 of 4 stars; one submission).

Submission:

GeneDx
Classification: Uncertain significance. Last evaluated: 2017-01-10. Review status: criteria provided, single submitter. Criteria: GeneDx Variant Classification (06012015). Collection method: clinical testing. Allele origin: germline. Affected: yes.
Comment: The T355K variant in the PAK3 gene has not been reported previously as a pathogenic variant, nor as a benign variant, to our knowledge. This variant was not observed in approximately 6500 individuals of European and African American ancestry in the NHLBI Exome Sequencing Project, indicating it is not a common benign variant in these populations. The T355K variant is a semi-conservative amino acid substitution, which may impact secondary protein structure as these residues differ in some properties. This substitution occurs at a position that is conserved across species. In silico analysis predicts this variant is probably damaging to the protein structure/function. We interpret T355K as a variant of uncertain significance.

NM_002578.5(PAK3):c.1064C>A (p.Thr355Lys)

Gene: PAK3 (p21 (RAC1) activated kinase 3; plus strand). Cytogenetic location: Xq23.
Variant type: single nucleotide variant.
Coding change: c.1064C>A on transcript NM_002578.5 (MANE Select); coding-DNA position 1064, C replaced by A.
Protein change: p.Thr355Lys; replaces threonine 355 with lysine.
Molecular consequence: missense variant. On other transcripts: non-coding transcript variant (2).
Genome position (GRCh38, 1-based): chrX:111,194,372, C>A. VCF-style: chrX-111194372-C-A. GRCh37 (hg19) VCF-style: chrX-110437600-C-A.
Other names: c.1064C>A, p.Thr355Lys (NM_001128166.3, NM_001128167.3, NM_001324325.2 and 5 more transcripts); c.1172C>A, p.Thr391Lys (NM_001128168.3); c.1127C>A, p.Thr376Lys (NM_001128172.2); c.1109C>A, p.Thr370Lys (NM_001128173.3, NM_001324327.2, NM_001324328.2 and 2 more transcripts); short protein forms T355K, T376K, T391K, T370K.
Identifiers: ClinVar variation 391983 (VCV000391983.2), dbSNP rs1057524312, ClinGen allele CA16609112.